The following is an entry in ClinVar:

ClinVar aggregate classification (germline): Uncertain significance. Review status: criteria provided, multiple submitters, no conflicts (2 of 4 stars). 2 submissions from 2 submitters: Uncertain significance (2). Last evaluated 2024-01-17.

Conditions:
Inborn genetic diseases. Identifiers: MedGen C0950123, MeSH D030342.

Allele frequency attached by ClinVar (database versions not stated): TOPMed 0.00001; gnomAD 0.00003.
gnomAD v4.1: 21 of 1,576,030 alleles (0.0013%); highest among the groups gnomAD compares: Middle Eastern, 0.034%; no homozygotes.

Submissions (2):

Ambry Genetics
Classification: Uncertain significance for Inborn genetic diseases. Last evaluated: 2024-01-17. Review status: criteria provided, single submitter. Criteria: Ambry Variant Classification Scheme 2023. Collection method: clinical testing. Allele origin: germline.

Labcorp Genetics (formerly Invitae), Labcorp
Classification: Uncertain significance. Last evaluated: 2023-12-11. Review status: criteria provided, single submitter. Criteria: Invitae Variant Classification Sherloc (09022015). Collection method: clinical testing. Allele origin: germline.
Comment: This sequence change replaces alanine, which is neutral and non-polar, with glycine, which is neutral and non-polar, at codon 1196 of the MPDZ protein (p.Ala1196Gly). This variant is present in population databases (no rsID available, gnomAD 0.003%). This variant has not been reported in the literature in individuals affected with MPDZ-related conditions. ClinVar contains an entry for this variant (Variation ID: 1432471). An algorithm developed to predict the effect of missense changes on protein structure and function (PolyPhen-2) suggests that this variant is likely to be disruptive. In summary, the available evidence is currently insufficient to determine the role of this variant in disease. Therefore, it has been classified as a Variant of Uncertain Significance.

NM_001378778.1(MPDZ):c.3587C>G (p.Ala1196Gly)

Gene: MPDZ (multiple PDZ domain crumbs cell polarity complex component; minus strand). Cytogenetic location: 9p23.
Variant type: single nucleotide variant.
Coding change: c.3587C>G on transcript NM_001378778.1 (MANE Select); coding-DNA position 3587, C replaced by G.
Protein change: p.Ala1196Gly; replaces alanine 1196 with glycine.
Molecular consequence: missense variant.
Genome position (GRCh38, 1-based): chr9:13,150,554, G>C on the plus strand (C>G on the coding strand, the complement: MPDZ is on the minus strand). VCF-style: chr9-13150554-G-C. GRCh37 (hg19) VCF-style: chr9-13150553-G-C.
Other names: c.3587C>G, p.Ala1196Gly (NM_001261406.2, NM_001261407.2, NM_001330637.2 and 13 more transcripts); c.3389C>G, p.Ala1130Gly (NM_001375427.1); c.3587C>G (NM_003829.3); short protein forms A1130G, A1196G.
Identifiers: ClinVar variation 1432471 (VCV001432471.5), dbSNP rs773951043, ClinGen allele CA189310065.